The following is an entry in ClinVar:

ClinVar aggregate classification (germline): Uncertain significance. Review status: criteria provided, multiple submitters, no conflicts (2 of 4 stars). 2 submissions from 2 submitters: Uncertain significance (2). Last evaluated 2025-11-17.

Conditions:
Hereditary cancer-predisposing syndrome. Also called: Neoplastic Syndromes, Hereditary; Hereditary Cancer Syndrome; Hereditary neoplastic syndrome; Tumor predisposition. Identifiers: Orphanet 140162, MedGen C0027672, MeSH D009386, MONDO:0015356.
Renal cell carcinoma. Identifiers: Orphanet 217071, MedGen C0007134, MeSH D002292, MONDO:0005086, HP:0005584.

Allele frequency attached by ClinVar (database versions not stated): gnomAD exomes below 0.00001.

Submissions (2):

Labcorp Genetics (formerly Invitae), Labcorp
Classification: Uncertain significance for Renal cell carcinoma. Last evaluated: 2025-11-17. Review status: criteria provided, single submitter. Criteria: Invitae Variant Classification Sherloc (09022015). Collection method: clinical testing. Allele origin: germline.
Comment: This sequence change replaces leucine, which is neutral and non-polar, with valine, which is neutral and non-polar, at codon 342 of the MET protein (p.Leu342Val). This variant is present in population databases (rs749082043, gnomAD 0.003%). This variant has not been reported in the literature in individuals affected with MET-related conditions. ClinVar contains an entry for this variant (Variation ID: 1420887). Invitae Evidence Modeling of protein sequence and biophysical properties (such as structural, functional, and spatial information, amino acid conservation, physicochemical variation, residue mobility, and thermodynamic stability) indicates that this missense variant is expected to disrupt MET protein function with a positive predictive value of 80%. In summary, the available evidence is currently insufficient to determine the role of this variant in disease. Therefore, it has been classified as a Variant of Uncertain Significance.

Ambry Genetics
Classification: Uncertain significance for Hereditary cancer-predisposing syndrome. Last evaluated: 2023-06-02. Review status: criteria provided, single submitter. Criteria: Ambry Variant Classification Scheme 2023. Collection method: clinical testing. Allele origin: germline.
Comment: The p.L342V variant (also known as c.1024C>G), located in coding exon 1 of the MET gene, results from a C to G substitution at nucleotide position 1024. The leucine at codon 342 is replaced by valine, an amino acid with highly similar properties. This amino acid position is well conserved in available vertebrate species. In addition, this alteration is predicted to be tolerated by in silico analysis. Since supporting evidence is limited at this time, the clinical significance of this alteration remains unclear.

NM_000245.4(MET):c.1024C>G (p.Leu342Val)

Gene: MET (MET proto-oncogene, receptor tyrosine kinase; plus strand). Cytogenetic location: 7q31.2.
Variant type: single nucleotide variant.
Coding change: c.1024C>G on transcript NM_000245.4 (MANE Select); coding-DNA position 1024, C replaced by G.
Protein change: p.Leu342Val; replaces leucine 342 with valine.
Molecular consequence: missense variant. On other transcripts: intron variant (1).
Genome position (GRCh38, 1-based): chr7:116,700,108, C>G. VCF-style: chr7-116700108-C-G. GRCh37 (hg19) VCF-style: chr7-116340162-C-G.
Other names: c.1024C>G (NM_001127500.1); c.1024C>G, p.Leu342Val (NM_001127500.3, NM_001324401.3); c.-91+27531C>G (NM_001324402.2); short protein forms L342V.
Identifiers: ClinVar variation 1420887 (VCV001420887.7), dbSNP rs749082043, ClinGen allele CA4448055.